The following is an entry in ClinVar:

NM_000089.4(COL1A2):c.265G>C (p.Gly89Arg)

Gene: COL1A2 (collagen type I alpha 2 chain; plus strand). Cytogenetic location: 7q21.3.
Variant type: single nucleotide variant.
Coding change: c.265G>C on transcript NM_000089.4 (MANE Select); coding-DNA position 265, G replaced by C.
Protein change: p.Gly89Arg; replaces glycine 89 with arginine.
Molecular consequence: missense variant.
Genome position (GRCh38, 1-based): chr7:94,401,606, G>C. VCF-style: chr7-94401606-G-C. GRCh37 (hg19) VCF-style: chr7-94030918-G-C.
Other names: short protein forms G89R.
Identifiers: ClinVar variation 2920949 (VCV002920949.5), dbSNP rs1453187814, ClinGen allele CA368219381.

ClinVar aggregate classification (germline): Uncertain significance. Review status: criteria provided, multiple submitters, no conflicts (2 of 4 stars). 3 submissions from 3 submitters: Uncertain significance (3). Last evaluated 2026-07-10.

Conditions:
Cardiovascular phenotype. Identifiers: MedGen CN230736.
Ehlers-Danlos syndrome, classic type, 1 (EDSCL1). Also called: Ehlers-Danlos syndrome, type 1; Ehlers-Danlos Syndrome, Classic Type, COL5A1-Related; EHLERS-DANLOS SYNDROME, GRAVIS TYPE; EHLERS-DANLOS SYNDROME, SEVERE CLASSIC TYPE; EDS I. Identifiers: MedGen C0268335, MONDO:0019567, OMIM 130000.
Osteogenesis imperfecta type I (OI1). Also called: Classic Non-deforming Osteogenesis Imperfecta with Blue Sclerae; Lobstein's Disease; OI, TYPE I; OSTEOGENESIS IMPERFECTA TARDA; OSTEOGENESIS IMPERFECTA WITH BLUE SCLERAE; Osteogenesis imperfecta type 1. Identifiers: Orphanet 216796, Orphanet 666, MedGen C0023931, MONDO:0008146, OMIM 166200. Disease mechanism: loss of function.

Allele frequency attached by ClinVar (database versions not stated): gnomAD 0.00001; gnomAD exomes below 0.00001; TOPMed below 0.00001.
gnomAD v4.1: 2 of 1,578,796 alleles (0.00013%); highest among the groups gnomAD compares: Non-Finnish European, 0.00017%; no homozygotes.

Submissions (3):

Ambry Genetics
Classification: Uncertain significance for Cardiovascular phenotype. Last evaluated: 2026-07-10. Review status: criteria provided, single submitter. Criteria: Ambry Variant Classification Scheme 2023. Collection method: clinical testing. Allele origin: germline.
Comment: The p.G89R variant (also known as c.265G>C), located in coding exon 6 of the COL1A2 gene, results from a G to C substitution at nucleotide position 265. The glycine at codon 89 is replaced by arginine, an amino acid with dissimilar properties. This amino acid position is conserved. In addition, the in silico prediction for this alteration is inconclusive. Based on the available evidence, the clinical significance of this variant remains unclear.

Labcorp Genetics (formerly Invitae), Labcorp
Classification: Uncertain significance for Osteogenesis imperfecta type I; Ehlers-Danlos syndrome, classic type, 1. Last evaluated: 2025-08-22. Review status: criteria provided, single submitter. Criteria: Invitae Variant Classification Sherloc (09022015). Collection method: clinical testing. Allele origin: germline.
Comment: This sequence change replaces glycine, which is neutral and non-polar, with arginine, which is basic and polar, at codon 89 of the COL1A2 protein (p.Gly89Arg). This variant is present in population databases (no rsID available, gnomAD 0.007%). This variant has not been reported in the literature in individuals affected with COL1A2-related conditions. ClinVar contains an entry for this variant (Variation ID: 2920949). Invitae Evidence Modeling of protein sequence and biophysical properties (such as structural, functional, and spatial information, amino acid conservation, physicochemical variation, residue mobility, and thermodynamic stability) has been performed for this missense variant. However, the output from this modeling did not meet the statistical confidence thresholds required to predict the impact of this variant on COL1A2 protein function. In summary, the available evidence is currently insufficient to determine the role of this variant in disease. Therefore, it has been classified as a Variant of Uncertain Significance.

ARUP Laboratories, Molecular Genetics and Genomics, ARUP Laboratories
Classification: Uncertain significance. Last evaluated: 2023-06-20. Review status: criteria provided, single submitter. Criteria: ARUP Molecular Germline Variant Investigation Process 2024. Collection method: clinical testing. Allele origin: germline.
Comment: The COL1A2 c.265G>C; p.Gly89Arg variant (rs1453187814), to our knowledge, is not reported in the medical literature or gene specific databases. This variant is only observed on one allele in the Genome Aggregation Database, indicating it is not a common polymorphism. Computational analyses are uncertain whether this variant is neutral or deleterious (REVEL: 0.686). Due to limited information, the clinical significance of this variant is uncertain at this time.